The following is an entry in ClinVar:

NC_012920.1(MT-CYB):m.15638A>G

Gene: MT-CYB (mitochondrially encoded cytochrome b; plus strand).
Variant type: single nucleotide variant.
Genome position: chrM-15638-A-G.
Identifiers: ClinVar variation 693917 (VCV000693917.1), dbSNP rs1603225395, ClinGen allele CA913174426.

ClinVar aggregate classification (germline): Uncertain significance (1 of 4 stars; one submission).

Conditions:
Leigh syndrome (NULS). Also called: Leigh's necrotizing encephalopathy; Leigh's disease; Leigh's syndrome; LEIGH SYNDROME, NUCLEAR; Leigh Syndrome (mtDNA deletion); Leigh Disease. Identifiers: Orphanet 506, MedGen C2931891, MONDO:0009723, OMIM 256000.

Submission:

Wong Mito Lab, Molecular and Human Genetics, Baylor College of Medicine
Classification: Uncertain significance for Leigh syndrome. Last evaluated: 2019-10-17. Review status: criteria provided, single submitter. Criteria: Modified ACMG Guidelines (Unpublished). Collection method: clinical testing. Allele origin: germline.
Comment: The NC_012920.1:m.15638A>G (YP_003024038.1:p.Ile298Val) variant in MTCYB gene is interpretated to be a Uncertain Significance variant based on the modified ACMG guidelines (unpublished). This variant meets the following evidence codes: PM10, PP4